The following is an entry in ClinVar:

ClinVar aggregate classification (germline): Uncertain significance (1 of 4 stars; one submission).

Submission:

Labcorp Genetics (formerly Invitae), Labcorp
Classification: Uncertain significance. Last evaluated: 2022-11-08. Review status: criteria provided, single submitter. Criteria: Invitae Variant Classification Sherloc (09022015). Collection method: clinical testing. Allele origin: germline.
Comment: In summary, the available evidence is currently insufficient to determine the role of this variant in disease. Therefore, it has been classified as a Variant of Uncertain Significance. Algorithms developed to predict the effect of missense changes on protein structure and function are either unavailable or do not agree on the potential impact of this missense change (SIFT: "Deleterious"; PolyPhen-2: "Probably Damaging"; Align-GVGD: "Class C0"). ClinVar contains an entry for this variant (Variation ID: 1355639). This variant has not been reported in the literature in individuals affected with HMCN1-related conditions. This variant is not present in population databases (gnomAD no frequency). This sequence change replaces glycine, which is neutral and non-polar, with serine, which is neutral and polar, at codon 1304 of the HMCN1 protein (p.Gly1304Ser).

NM_031935.3(HMCN1):c.3910G>A (p.Gly1304Ser)

Gene: HMCN1 (hemicentin 1; plus strand). Cytogenetic location: 1q31.1.
Variant type: single nucleotide variant.
Coding change: c.3910G>A on transcript NM_031935.3 (MANE Select); coding-DNA position 3910, G replaced by A.
Protein change: p.Gly1304Ser; replaces glycine 1304 with serine.
Molecular consequence: missense variant.
Genome position (GRCh38, 1-based): chr1:186,000,080, G>A. VCF-style: chr1-186000080-G-A. GRCh37 (hg19) VCF-style: chr1-185969212-G-A.
Other names: short protein forms G1304S.
Identifiers: ClinVar variation 1355639 (VCV001355639.6), dbSNP rs2102062052, ClinGen allele CA343874178.
Genomic context (GRCh38, chr1:186,000,080, plus strand): 5'-CACAAGACTTTAATTTCTTATTTAGGTACCCCTAAACCAACCATCAAATGGTTACACAAT[G>A]GTAGAGAGTTGACAGGCAGAGAGCCTGGCATTTCTATCTTGGAAGATGGCACATTGCTGG-3'
Protein context (NP_114141.2, residues 1294-1314): PKPTIKWLHN[Gly1304Ser]RELTGREPGI